The following is an entry in ClinVar:

ClinVar aggregate classification (germline): Pathogenic/Likely pathogenic. Review status: criteria provided, multiple submitters, no conflicts (2 of 4 stars). 3 submissions from 3 submitters: Pathogenic (1); Likely pathogenic (2). Last evaluated 2023-09-27.

Conditions:
Bardet-Biedl syndrome (BBS). Identifiers: Orphanet 110, MedGen C0752166, MONDO:0015229.
Bardet-Biedl syndrome 10 (BBS10). Identifiers: Orphanet 110, MedGen C1859568, MONDO:0014438, OMIM 615987.

Submissions (3):

Baylor Genetics
Classification: Likely pathogenic for Bardet-Biedl syndrome 10. Last evaluated: 2023-09-27. Review status: criteria provided, single submitter. Criteria: ACMG Guidelines, 2015. Collection method: clinical testing. Allele origin: unknown.

Labcorp Genetics (formerly Invitae), Labcorp
Classification: Pathogenic for Bardet-Biedl syndrome. Last evaluated: 2023-07-06. Review status: criteria provided, single submitter. Criteria: Invitae Variant Classification Sherloc (09022015). Collection method: clinical testing. Allele origin: germline.
Comment: For these reasons, this variant has been classified as Pathogenic. This variant disrupts a region of the BBS10 protein in which other variant(s) (p.Val707*) have been determined to be pathogenic (PMID: 20472660, 22773737, 25982971, 27486776). This suggests that this is a clinically significant region of the protein, and that variants that disrupt it are likely to be disease-causing. ClinVar contains an entry for this variant (Variation ID: 1210363). This variant has not been reported in the literature in individuals affected with BBS10-related conditions. The frequency data for this variant in the population databases is considered unreliable, as metrics indicate poor data quality at this position in the gnomAD database. This sequence change creates a premature translational stop signal (p.Thr79Glnfs*30) in the BBS10 gene. While this is not anticipated to result in nonsense mediated decay, it is expected to disrupt the last 645 amino acid(s) of the BBS10 protein.

Genome-Nilou Lab
Classification: Likely pathogenic for Bardet-Biedl syndrome 10. Last evaluated: 2021-07-22. Review status: criteria provided, single submitter. Criteria: ACMG Guidelines, 2015. Collection method: clinical testing. Allele origin: germline. Affected: no.

Literature cited by the submitters: PubMed 20472660 (cited by Labcorp Genetics (formerly Invitae), Labcorp); PubMed 22773737 (cited by Labcorp Genetics (formerly Invitae), Labcorp); PubMed 25982971 (cited by Labcorp Genetics (formerly Invitae), Labcorp); PubMed 27486776 (cited by Labcorp Genetics (formerly Invitae), Labcorp).

NM_024685.4(BBS10):c.235del (p.Thr79fs)

Gene: BBS10 (Bardet-Biedl syndrome 10; minus strand). Cytogenetic location: 12q21.2.
Variant type: Deletion.
Coding change: c.235del on transcript NM_024685.4 (MANE Select); coding-DNA position 235, one base deleted (A; older notation c.235delA).
Protein change: p.Thr79fs; shifts the reading frame from threonine 79.
Molecular consequence: frameshift variant.
Genome position (GRCh38, 1-based): chr12:76,347,750, T deleted on the plus strand (A on the coding strand, the reverse complement: BBS10 is on the minus strand); the first of 7 consecutive T bases (chr12:76,347,750-76,347,756); deleting any one gives the same sequence. VCF-style (leftmost placement, unchanged base first): chr12-76347749-GT-G. GRCh37 (hg19) VCF-style: chr12-76741529-GT-G.
Other names: c.235delA (NM_024685.4); short protein forms T79fs.
Identifiers: ClinVar variation 1210363 (VCV001210363.10), dbSNP rs760693838, ClinGen allele CA606185892.